The following is an entry in ClinVar:

NM_031471.6(FERMT3):c.479A>T (p.Glu160Val)

Gene: FERMT3 (FERM domain containing kindlin 3; plus strand). Cytogenetic location: 11q13.1.
Variant type: single nucleotide variant.
Coding change: c.479A>T on transcript NM_031471.6 (MANE Select); coding-DNA position 479, A replaced by T.
Protein change: p.Glu160Val; replaces glutamic acid 160 with valine.
Molecular consequence: missense variant. On other transcripts: 5 prime UTR variant (2).
Genome position (GRCh38, 1-based): chr11:64,211,136, A>T. VCF-style: chr11-64211136-A-T. GRCh37 (hg19) VCF-style: chr11-63978608-A-T.
Other names: c.479A>T, p.Glu160Val (NM_001382361.1, NM_001382362.1, NM_001382448.1 and 1 more transcripts); c.-62A>T (NM_001382363.1, NM_001382364.1); short protein forms E160V.
Identifiers: ClinVar variation 1525192 (VCV001525192.8), dbSNP rs2134843975, ClinGen allele CA381081979.

ClinVar aggregate classification (germline): Uncertain significance (1 of 4 stars; one submission).

Conditions:
Leukocyte adhesion deficiency 3. Also called: INTEGRIN ACTIVATION DEFICIENCY DISEASE; LEUKOCYTE ADHESION DEFICIENCY 1 VARIANT; Leukocyte adhesion deficiency, type III. Identifiers: Orphanet 2968, Orphanet 99844, MedGen C2748536, MONDO:0013016, OMIM 612840.

Allele frequency attached by ClinVar (database versions not stated): gnomAD exomes below 0.00001.
gnomAD v4.1: 1 of 1,523,204 alleles (0.000066%); highest among the groups gnomAD compares: Non-Finnish European, 0.000088%; no homozygotes.

Submission:

Labcorp Genetics (formerly Invitae), Labcorp
Classification: Uncertain significance for Leukocyte adhesion deficiency 3. Last evaluated: 2021-04-26. Review status: criteria provided, single submitter. Criteria: Invitae Variant Classification Sherloc (09022015). Collection method: clinical testing. Allele origin: germline.
Comment: This variant is not present in population databases (ExAC no frequency). In summary, the available evidence is currently insufficient to determine the role of this variant in disease. Therefore, it has been classified as a Variant of Uncertain Significance. Algorithms developed to predict the effect of missense changes on protein structure and function are either unavailable or do not agree on the potential impact of this missense change (SIFT: "Tolerated"; PolyPhen-2: "Possibly Damaging"; Align-GVGD: "Class C0"). This variant has not been reported in the literature in individuals with FERMT3-related conditions. This sequence change replaces glutamic acid with valine at codon 160 of the FERMT3 protein (p.Glu160Val). The glutamic acid residue is moderately conserved and there is a moderate physicochemical difference between glutamic acid and valine.